The following is an entry in ClinVar:

ClinVar aggregate classification (germline): Uncertain significance (1 of 4 stars; one submission).

Conditions:
Hereditary cancer-predisposing syndrome. Also called: Neoplastic Syndromes, Hereditary; Tumor predisposition; Hereditary Cancer Syndrome; Hereditary neoplastic syndrome. Identifiers: Orphanet 140162, MedGen C0027672, MeSH D009386, MONDO:0015356.

Submission:

Ambry Genetics
Classification: Uncertain significance for Hereditary cancer-predisposing syndrome. Last evaluated: 2026-04-13. Review status: criteria provided, single submitter. Criteria: Ambry Variant Classification Scheme 2023. Collection method: clinical testing. Allele origin: germline.
Comment: The p.C819F variant (also known as c.2456G>T), located in coding exon 10 of the MET gene, results from a G to T substitution at nucleotide position 2456. The cysteine at codon 819 is replaced by phenylalanine, an amino acid with highly dissimilar properties. This amino acid position is conserved. In addition, this alteration is predicted to be deleterious by in silico analysis. Based on the available evidence, the clinical significance of this variant remains unclear.

NM_000245.4(MET):c.2402G>T (p.Cys801Phe)

Gene: MET (MET proto-oncogene, receptor tyrosine kinase; plus strand). Cytogenetic location: 7q31.2.
Variant type: single nucleotide variant.
Coding change: c.2402G>T on transcript NM_000245.4 (MANE Select); coding-DNA position 2402, G replaced by T.
Protein change: p.Cys801Phe; replaces cysteine 801 with phenylalanine.
Molecular consequence: missense variant.
Genome position (GRCh38, 1-based): chr7:116,763,087, G>T. VCF-style: chr7-116763087-G-T. GRCh37 (hg19) VCF-style: chr7-116403141-G-T.
Other names: c.2456G>T, p.Cys819Phe (NM_001127500.3); c.2402G>T, p.Cys801Phe (NM_001324401.3); c.1112G>T, p.Cys371Phe (NM_001324402.2); short protein forms C371F, C801F, C819F.
Identifiers: ClinVar variation 4859969 (VCV004859969.1).
Genomic context (GRCh38, chr7:116,763,087, plus strand): 5'-TGGATAATTGTGTCTTTCTCTAGGCATGTCAACATCGCTCTAATTCAGAGATAATCTGTT[G>T]TACCACTCCTTCCCTGCAACAGCTGAATCTGCAACTCCCCCTGAAAACCAAAGCCTTTTT-3'
Protein context (NP_000236.2, residues 791-811): QHRSNSEIIC[Cys801Phe]TTPSLQQLNL